The following is an entry in ClinVar:

NM_001005273.3(CHD3):c.214-9T>G

Gene: CHD3 (chromodomain helicase DNA binding protein 3; plus strand). Cytogenetic location: 17p13.1.
Variant type: single nucleotide variant.
Coding change: c.214-9T>G on transcript NM_001005273.3 (MANE Select); 9 bases into the intron before coding-DNA position 214, T replaced by G.
Molecular consequence: intron variant.
Genome position (GRCh38, 1-based): chr17:7,890,562, T>G. VCF-style: chr17-7890562-T-G. GRCh37 (hg19) VCF-style: chr17-7793880-T-G.
Other names: c.391-9T>G (NM_001005271.3); c.214-9T>G (NM_005852.4).
Identifiers: ClinVar variation 3044891 (VCV003044891.2), dbSNP rs549525057, ClinGen allele CA287552191.

ClinVar aggregate classification (germline): Likely benign (0 of 4 stars; one submission).

Conditions:
CHD3-related disorder. Also called: CHD3-related condition.

Allele frequency attached by ClinVar (database versions not stated): gnomAD exomes 0.00002; gnomAD 0.00003; TOPMed 0.00003.
gnomAD v4.1: 28 of 1,548,692 alleles (0.0018%); highest among the groups gnomAD compares: Non-Finnish European, 0.0023%; no homozygotes.

Submission:

PreventionGenetics, part of Exact Sciences
Classification: Likely benign for CHD3-related condition. Last evaluated: 2019-05-31. Review status: no assertion criteria provided. Collection method: clinical testing. Allele origin: germline.
Comment: This variant is classified as likely benign based on ACMG/AMP sequence variant interpretation guidelines (Richards et al. 2015 PMID: 25741868, with internal and published modifications).